The following is an entry in ClinVar:

ClinVar aggregate classification (germline): Uncertain significance (1 of 4 stars; one submission).

gnomAD v4.1: 27 of 1,333,644 alleles (0.002%); highest among the groups gnomAD compares: Non-Finnish European, 0.0022%; no homozygotes.

Submission:

Labcorp Genetics (formerly Invitae), Labcorp
Classification: Uncertain significance. Last evaluated: 2024-07-24. Review status: criteria provided, single submitter. Criteria: Invitae Variant Classification Sherloc (09022015). Collection method: clinical testing. Allele origin: germline.
Comment: This sequence change replaces proline, which is neutral and non-polar, with leucine, which is neutral and non-polar, at codon 2 of the CDK13 protein (p.Pro2Leu). This variant is not present in population databases (gnomAD no frequency). This variant has not been reported in the literature in individuals affected with CDK13-related conditions. Advanced modeling of protein sequence and biophysical properties (such as structural, functional, and spatial information, amino acid conservation, physicochemical variation, residue mobility, and thermodynamic stability) has been performed at Invitae for this missense variant, however the output from this modeling did not meet the statistical confidence thresholds required to predict the impact of this variant on CDK13 protein function. In summary, the available evidence is currently insufficient to determine the role of this variant in disease. Therefore, it has been classified as a Variant of Uncertain Significance.

NM_003718.5(CDK13):c.5C>T (p.Pro2Leu)

Gene: CDK13 (cyclin dependent kinase 13; plus strand). Cytogenetic location: 7p14.1.
Variant type: single nucleotide variant.
Coding change: c.5C>T on transcript NM_003718.5 (MANE Select); coding-DNA position 5, C replaced by T.
Protein change: p.Pro2Leu; replaces proline 2 with leucine.
Molecular consequence: missense variant.
Genome position (GRCh38, 1-based): chr7:39,950,646, C>T. VCF-style: chr7-39950646-C-T. GRCh37 (hg19) VCF-style: chr7-39990245-C-T.
Other names: c.5C>T, p.Pro2Leu (NM_031267.4); short protein forms P2L.
Identifiers: ClinVar variation 3641778 (VCV003641778.2).
Genomic context (GRCh38, chr7:39,950,646, plus strand): 5'-GATCTGACCCGGGAGGAGGCCGCACCCGCGCCGCGCTCTGCGGCTGGCTCTAGGCGATGC[C>T]GAGCAGCTCGGACACGGCGCTGGGGGGAGGCGGGGGCCTGAGCTGGGCGGAGAAGAAGTT-3'
Protein context (NP_003709.3, residues 1-12): M[Pro2Leu]SSSDTALGGG